The following is an entry in ClinVar:

NM_001377265.1(MAPT):c.914A>G (p.Gln305Arg)

Gene: MAPT (microtubule associated protein tau). Cytogenetic location: 17q21.31.
Variant type: single nucleotide variant.
Coding change: c.914A>G on transcript NM_001377265.1 (MANE Select); coding-DNA position 914, A replaced by G.
Protein change: p.Gln305Arg; replaces glutamine 305 with arginine.
Molecular consequence: missense variant. On other transcripts: intron variant (8).
Genome position (GRCh38, 1-based): chr17:45,983,493, A>G. VCF-style: chr17-45983493-A-G. GRCh37 (hg19) VCF-style: chr17-44060859-A-G.
Other names: c.689A>G, p.Gln230Arg (NM_001123066.4, NM_016835.5); c.914A>G, p.Gln305Arg (NM_001377266.1); c.200-3547A>G (NM_001377268.1, NM_016834.5, NM_016841.5); c.374-3547A>G (NM_005910.6, NM_001203252.2); c.287-3547A>G (NM_001123067.4, NM_001203251.2, NM_001377267.1); short protein forms Q230R, Q305R.
Identifiers: ClinVar variation 98197 (VCV000098197.17), dbSNP rs63750072, ClinGen allele CA225387.

ClinVar aggregate classification (germline): Benign/Likely benign. Review status: criteria provided, multiple submitters, no conflicts (2 of 4 stars). 9 submissions from 9 submitters: Benign (4); Likely benign (1). 4 of the submissions do not count toward it. Last evaluated 2026-01-19.

Conditions:
Frontotemporal dementia (FTD1). Also called: Frontotemporal Dementia with Parkinsonism-17 (FTDP-17); FRONTOTEMPORAL DEMENTIA WITH PARKINSONISM; FRONTOTEMPORAL LOBE DEMENTIA; MULTIPLE SYSTEM TAUOPATHY WITH PRESENILE DEMENTIA; Dementia, frontotemporal, with or without parkinsonism; WILHELMSEN-LYNCH DISEASE. Identifiers: Orphanet 282, MedGen C0338451, MONDO:0017276, OMIM 600274, HP:0002145.
Pick disease. Also called: PICK DISEASE OF BRAIN; DEMENTIA WITH LOBAR ATROPHY AND NEURONAL CYTOPLASMIC INCLUSIONS; LOBAR ATROPHY OF BRAIN; Pick's disease; Pick Disease of the Brain. Identifiers: Orphanet 282, MedGen C0236642, MONDO:0008243, OMIM 172700.
Parkinson disease, late-onset (PD). Also called: Susceptibility to Parkinson's Disease; PARKINSON DISEASE, LATE-ONSET, SUSCEPTIBILITY TO; Hereditary late onset Parkinson disease. Identifiers: Orphanet 411602, MedGen C3160718, MONDO:0008199, OMIM 168600.
Progressive supranuclear palsy-parkinsonism syndrome. Also called: PARKINSON-DEMENTIA SYNDROME; Supranuclear palsy, progressive, 1, atypical; Progressive supranuclear palsy atypical; Atypical PSP. Identifiers: Orphanet 240085, Orphanet 683, Orphanet 99750, MedGen C1850077, MONDO:0009839, OMIM 260540.
Supranuclear palsy, progressive, 1 (PSNP1). Also called: STEELE-RICHARDSON-OLSZEWSKI SYNDROME. Identifiers: Orphanet 240071, MedGen C4551863, MONDO:0010997, OMIM 601104.

Allele frequency attached by ClinVar (database versions not stated): ESP Exome Variant Server 0.04185; gnomAD exomes 0.05000 and 0.03964; 1000 Genomes Project 0.02776; 1000 Genomes Project 30x 0.02780; gnomAD 0.03830 and 0.03840; TOPMed 0.03888; ExAC 0.04127.

Submissions (9):

Labcorp Genetics (formerly Invitae), Labcorp
Classification: Benign for Frontotemporal dementia. Last evaluated: 2026-01-19. Review status: criteria provided, single submitter. Criteria: Invitae Variant Classification Sherloc (09022015). Collection method: clinical testing. Allele origin: germline.

Fulgent Genetics
Classification: Likely benign for Parkinson disease, late-onset; Pick disease; Progressive supranuclear palsy-parkinsonism syndrome; Frontotemporal dementia; Supranuclear palsy, progressive, 1. Last evaluated: 2022-04-20. Review status: criteria provided, single submitter. Criteria: ACMG Guidelines, 2015. Collection method: clinical testing. Allele origin: unknown.

GeneDx
Classification: Benign. Last evaluated: 2018-08-17. Review status: criteria provided, single submitter. Criteria: GeneDx Variant Classification Process June 2021. Collection method: clinical testing. Allele origin: germline. Affected: yes.
Comment: This variant is associated with the following publications: (PMID: 29339765)

Breakthrough Genomics
Classification: Benign. Review status: criteria provided, single submitter. Criteria: ACMG Guidelines, 2015. Collection method: not provided. Allele origin: germline. Inheritance: Autosomal recessive inheritance. Affected: yes.

PreventionGenetics, part of Exact Sciences
Classification: Benign. Review status: criteria provided, single submitter. Criteria: ACMG Guidelines, 2015. Collection method: clinical testing. Allele origin: germline.

Clinical Genetics, Academic Medical Center
Classification: Benign. Review status: no assertion criteria provided. Collection method: clinical testing. Allele origin: germline. Affected: yes. Study: VKGL Data-share Consensus. Not counted in ClinVar's aggregate classification.

Genome Diagnostics Laboratory, Amsterdam University Medical Center
Classification: Benign. Review status: no assertion criteria provided. Collection method: clinical testing. Allele origin: germline. Affected: yes. Study: VKGL Data-share Consensus. Not counted in ClinVar's aggregate classification.

Genome Diagnostics Laboratory, University Medical Center Utrecht
Classification: Benign. Review status: no assertion criteria provided. Collection method: clinical testing. Allele origin: germline. Affected: yes. Study: VKGL Data-share Consensus. Not counted in ClinVar's aggregate classification.

VIB  Department of Molecular Genetics, University of Antwerp
No classification provided. Review status: no classification provided. Collection method: not provided. Allele origin: not provided. Not counted in ClinVar's aggregate classification.